The following is an entry in ClinVar:

NM_001378454.1(ALMS1):c.11207A>G (p.Asp3736Gly)

Gene: ALMS1 (ALMS1 centrosome and basal body associated protein; plus strand). Cytogenetic location: 2p13.1.
Variant type: single nucleotide variant.
Coding change: c.11207A>G on transcript NM_001378454.1 (MANE Select); coding-DNA position 11207, A replaced by G.
Protein change: p.Asp3736Gly; replaces aspartic acid 3736 with glycine.
Molecular consequence: missense variant.
Genome position (GRCh38, 1-based): chr2:73,573,084, A>G. VCF-style: chr2-73573084-A-G. GRCh37 (hg19) VCF-style: chr2-73800211-A-G.
Other names: c.11210A>G, p.Asp3737Gly (NM_015120.4); short protein forms D3736G, D3737G.
Identifiers: ClinVar variation 2047801 (VCV002047801.2), dbSNP rs754864496, ClinGen allele CA1715137.

ClinVar aggregate classification (germline): Uncertain significance (1 of 4 stars; one submission).

Conditions:
Alstrom syndrome (ALMS). Identifiers: Orphanet 64, MedGen C0268425, MONDO:0008763, OMIM 203800.

Allele frequency attached by ClinVar (database versions not stated): gnomAD 0.00001.
gnomAD v4.1: 1 of 1,613,904 alleles (0.000062%); highest among the groups gnomAD compares: Non-Finnish European, 0.000085%; no homozygotes.

Submission:

Labcorp Genetics (formerly Invitae), Labcorp
Classification: Uncertain significance for Alstrom syndrome. Last evaluated: 2022-03-08. Review status: criteria provided, single submitter. Criteria: Invitae Variant Classification Sherloc (09022015). Collection method: clinical testing. Allele origin: germline.
Comment: In summary, the available evidence is currently insufficient to determine the role of this variant in disease. Therefore, it has been classified as a Variant of Uncertain Significance. Experimental studies and prediction algorithms are not available or were not evaluated, and the functional significance of this variant is currently unknown. This variant has not been reported in the literature in individuals affected with ALMS1-related conditions. This variant is present in population databases (rs754864496, gnomAD 0.0009%). This sequence change replaces aspartic acid, which is acidic and polar, with glycine, which is neutral and non-polar, at codon 3737 of the ALMS1 protein (p.Asp3737Gly).